The following is an entry in ClinVar:

NM_032043.3(BRIP1):c.1322T>C (p.Val441Ala)

Gene: BRIP1 (BRCA1 interacting DNA helicase 1; minus strand). Cytogenetic location: 17q23.2.
Variant type: single nucleotide variant.
Coding change: c.1322T>C on transcript NM_032043.3 (MANE Select); coding-DNA position 1322, T replaced by C.
Protein change: p.Val441Ala; replaces valine 441 with alanine.
Molecular consequence: missense variant.
Genome position (GRCh38, 1-based): chr17:61,799,118, A>G on the plus strand (T>C on the coding strand, the complement: BRIP1 is on the minus strand). VCF-style: chr17-61799118-A-G. GRCh37 (hg19) VCF-style: chr17-59876479-A-G.
Other names: short protein forms V441A.
Identifiers: ClinVar variation 1017468 (VCV001017468.7), dbSNP rs1458068665, ClinGen allele CA400483388.

ClinVar aggregate classification (germline): Uncertain significance (1 of 4 stars; one submission).

Conditions:
Familial cancer of breast. Also called: hereditary breast carcinoma; BREAST CANCER, FAMILIAL; Hereditary breast cancer. Identifiers: Orphanet 227535, MedGen C0346153, MONDO:0016419, OMIM 114480. Disease mechanism: loss of function.
Fanconi anemia complementation group J. Also called: BRIP1-Related Fanconi Anemia. Identifiers: Orphanet 84, MedGen C1836860, MONDO:0012187, OMIM 609054.

Allele frequency attached by ClinVar (database versions not stated): gnomAD exomes below 0.00001 and 0.00001; TOPMed 0.00004.
gnomAD v4.1: 2 of 1,613,282 alleles (0.00012%); highest among the groups gnomAD compares: Admixed American, 0.0033%; no homozygotes.

Submission:

Labcorp Genetics (formerly Invitae), Labcorp
Classification: Uncertain significance for Familial cancer of breast; Fanconi anemia complementation group J. Last evaluated: 2021-08-28. Review status: criteria provided, single submitter. Criteria: Invitae Variant Classification Sherloc (09022015). Collection method: clinical testing. Allele origin: germline.
Comment: This sequence change replaces valine with alanine at codon 441 of the BRIP1 protein (p.Val441Ala). The valine residue is moderately conserved and there is a small physicochemical difference between valine and alanine. This variant is not present in population databases (ExAC no frequency). This variant has not been reported in the literature in individuals affected with BRIP1-related conditions. Algorithms developed to predict the effect of missense changes on protein structure and function are either unavailable or do not agree on the potential impact of this missense change (SIFT: "Tolerated"; PolyPhen-2: "Possibly Damaging"; Align-GVGD: "Class C15"). In summary, the available evidence is currently insufficient to determine the role of this variant in disease. Therefore, it has been classified as a Variant of Uncertain Significance.